The following is an entry in ClinVar:

ClinVar aggregate classification (germline): Uncertain significance (1 of 4 stars; one submission).

gnomAD v4.1: 1 of 1,613,298 alleles (0.000062%); highest among the groups gnomAD compares: Non-Finnish European, 0.000085%; no homozygotes.

Submission:

GeneDx
Classification: Uncertain significance. Last evaluated: 2022-08-31. Review status: criteria provided, single submitter. Criteria: GeneDx Variant Classification Process June 2021. Collection method: clinical testing. Allele origin: germline. Affected: yes.
Comment: Not observed at significant frequency in large population cohorts (gnomAD); In silico analysis supports that this missense variant does not alter protein structure/function; Has not been previously published as pathogenic or benign to our knowledge

NM_006734.4(HIVEP2):c.5279A>G (p.His1760Arg)

Gene: HIVEP2 (HIVEP zinc finger 2; minus strand). Cytogenetic location: 6q24.2.
Variant type: single nucleotide variant.
Coding change: c.5279A>G on transcript NM_006734.4 (MANE Select); coding-DNA position 5279, A replaced by G.
Protein change: p.His1760Arg; replaces histidine 1760 with arginine.
Molecular consequence: missense variant.
Genome position (GRCh38, 1-based): chr6:142,768,445, T>C on the plus strand (A>G on the coding strand, the complement: HIVEP2 is on the minus strand). VCF-style: chr6-142768445-T-C. GRCh37 (hg19) VCF-style: chr6-143089582-T-C.
Other names: short protein forms H1760R.
Identifiers: ClinVar variation 2442515 (VCV002442515.1), dbSNP rs755301449, ClinGen allele CA365893587.